The following is an entry in ClinVar:

ClinVar aggregate classification (germline): Uncertain significance (1 of 4 stars; one submission).

gnomAD v4.1: 2 of 1,614,058 alleles (0.00012%); highest among the groups gnomAD compares: Non-Finnish European, 0.00017%; no homozygotes.

Submission:

Labcorp Genetics (formerly Invitae), Labcorp
Classification: Uncertain significance. Last evaluated: 2025-03-02. Review status: criteria provided, single submitter. Criteria: Invitae Variant Classification Sherloc (09022015). Collection method: clinical testing. Allele origin: germline.
Comment: This sequence change replaces methionine, which is neutral and non-polar, with valine, which is neutral and non-polar, at codon 86 of the CDH2 protein (p.Met86Val). This variant is not present in population databases (gnomAD no frequency). This variant has not been reported in the literature in individuals affected with CDH2-related conditions. An algorithm developed to predict the effect of missense changes on protein structure and function outputs the following: PolyPhen-2: "Benign". The valine amino acid residue is found in multiple mammalian species, which suggests that this missense change does not adversely affect protein function. In summary, the available evidence is currently insufficient to determine the role of this variant in disease. Therefore, it has been classified as a Variant of Uncertain Significance.

NM_001792.5(CDH2):c.256A>G (p.Met86Val)

Gene: CDH2 (cadherin 2; minus strand). Cytogenetic location: 18q12.1.
Variant type: single nucleotide variant.
Coding change: c.256A>G on transcript NM_001792.5 (MANE Select); coding-DNA position 256, A replaced by G.
Protein change: p.Met86Val; replaces methionine 86 with valine.
Molecular consequence: missense variant.
Genome position (GRCh38, 1-based): chr18:28,013,826, T>C on the plus strand (A>G on the coding strand, the complement: CDH2 is on the minus strand). VCF-style: chr18-28013826-T-C. GRCh37 (hg19) VCF-style: chr18-25593790-T-C.
Other names: c.163A>G, p.Met55Val (NM_001308176.2); short protein forms M55V, M86V.
Identifiers: ClinVar variation 4770522 (VCV004770522.1).